The following is an entry in ClinVar:

NM_014704.4(CEP104):c.759T>G (p.Tyr253Ter)

Gene: CEP104 (centrosomal protein 104; minus strand). Cytogenetic location: 1p36.32.
Variant type: single nucleotide variant.
Coding change: c.759T>G on transcript NM_014704.4 (MANE Select); coding-DNA position 759, T replaced by G.
Protein change: p.Tyr253Ter; replaces tyrosine 253 with a stop codon.
Molecular consequence: nonsense.
Genome position (GRCh38, 1-based): chr1:3,839,096, A>C on the plus strand (T>G on the coding strand, the complement: CEP104 is on the minus strand). VCF-style: chr1-3839096-A-C. GRCh37 (hg19) VCF-style: chr1-3755660-A-C.
Other names: short protein forms Y253*.
Identifiers: ClinVar variation 542192 (VCV000542192.9), dbSNP rs372048855, ClinGen allele CA551820.

ClinVar aggregate classification (germline): Pathogenic/Likely pathogenic. Review status: criteria provided, multiple submitters, no conflicts (2 of 4 stars). 4 submissions from 4 submitters: Pathogenic (1); Likely pathogenic (3). Last evaluated 2024-03-13.

Conditions:
Joubert syndrome 25 (JBTS25). Identifiers: Orphanet 475, MedGen C4084842, MONDO:0014770, OMIM 616781.
Intellectual developmental disorder, autosomal recessive 77 (MRT77). Identifiers: MedGen C5774193, MONDO:0031031, OMIM 619988.
CEP104-related disorders.

Allele frequency attached by ClinVar (database versions not stated): TOPMed below 0.00001; gnomAD 0.00001; ExAC 0.00002; gnomAD exomes 0.00002 and 0.00005; ESP Exome Variant Server 0.00008.
gnomAD v4.1: 72 of 1,613,810 alleles (0.0045%); highest among the groups gnomAD compares: Non-Finnish European, 0.0059%; no homozygotes.

Submissions (4):

Fulgent Genetics
Classification: Likely pathogenic for Joubert syndrome 25; Intellectual developmental disorder, autosomal recessive 77. Last evaluated: 2024-03-13. Review status: criteria provided, single submitter. Criteria: ACMG Guidelines, 2015. Collection method: clinical testing. Allele origin: germline.

Department of Pathology and Laboratory Medicine, Sinai Health System
Classification: Likely pathogenic for Intellectual developmental disorder, autosomal recessive 77; Joubert syndrome 25. Last evaluated: 2023-01-10. Review status: criteria provided, single submitter. Criteria: ACMG Guidelines, 2015. Collection method: research. Allele origin: germline.

Blueprint Genetics
Classification: Likely pathogenic for CEP104-related disorders. Last evaluated: 2022-11-01. Review status: criteria provided, single submitter. Criteria: ACMG Guidelines, 2015. Collection method: clinical testing. Allele origin: germline. Affected: yes. Observed: 3 variant alleles.

Labcorp Genetics (formerly Invitae), Labcorp
Classification: Pathogenic for Joubert syndrome 25. Last evaluated: 2017-09-13. Review status: criteria provided, single submitter. Criteria: Invitae Variant Classification Sherloc (09022015). Collection method: clinical testing. Allele origin: germline.
Comment: For these reasons, this variant has been classified as Pathogenic. Loss-of-function variants in CEP104 are known to be pathogenic (PMID: 26477546). This variant has not been reported in the literature in individuals with CEP104-related disease. This variant is present in population databases (rs372048855, ExAC 0.004%). This sequence change creates a premature translational stop signal (p.Tyr253*) in the CEP104 gene. It is expected to result in an absent or disrupted protein product.

Literature cited by the submitters: PubMed 26477546 (cited by Labcorp Genetics (formerly Invitae), Labcorp).